The following is an entry in ClinVar:

ClinVar aggregate classification (germline): Uncertain significance (1 of 4 stars; one submission).

Conditions:
Familial adenomatous polyposis 1 (FAP1). Also called: FAMILIAL ADENOMATOUS POLYPOSIS 1, ATTENUATED; POLYPOSIS, ADENOMATOUS INTESTINAL. Identifiers: MedGen C2713442, MONDO:0021056, OMIM 175100. Disease mechanism: loss of function.

Submission:

Labcorp Genetics (formerly Invitae), Labcorp
Classification: Uncertain significance for Familial adenomatous polyposis 1. Last evaluated: 2024-10-21. Review status: criteria provided, single submitter. Criteria: Invitae Variant Classification Sherloc (09022015). Collection method: clinical testing. Allele origin: germline.
Comment: This variant occurs in a non-coding region of the APC gene. It does not change the encoded amino acid sequence of the APC protein. This variant is not present in population databases (gnomAD no frequency). This variant has not been reported in the literature in individuals affected with APC-related conditions. Experimental studies and prediction algorithms are not available or were not evaluated, and the functional significance of this variant is currently unknown. In summary, the available evidence is currently insufficient to determine the role of this variant in disease. Therefore, it has been classified as a Variant of Uncertain Significance.

NC_000005.10:g.112707489C>T

Genes: APC (APC regulator of Wnt signaling pathway; plus strand), LOC129994371 (ATAC-STARR-seq lymphoblastoid active region 22910; plus strand). Cytogenetic location: 5q22.2.
Variant type: single nucleotide variant.
Genome position: GRCh38 VCF-style: chr5-112707489-C-T. GRCh37 (hg19) VCF-style: chr5-112043186-C-T.
Identifiers: ClinVar variation 1482392 (VCV001482392.6), dbSNP rs2149629061, ClinGen allele CA2573138771.